The following is an entry in ClinVar:

ClinVar aggregate classification (germline): Pathogenic (1 of 4 stars; one submission).

Submission:

GeneDx
Classification: Pathogenic. Last evaluated: 2025-07-11. Review status: criteria provided, single submitter. Criteria: GeneDx Variant Classification Process June 2021. Collection method: clinical testing. Allele origin: germline. Affected: yes.
Comment: Not observed at significant frequency in large population cohorts (gnomAD); In silico analysis supports that this missense variant has a deleterious effect on protein structure/function; This variant is associated with the following publications: (PMID: 35982159, 33057194)

NM_004408.4(DNM1):c.520G>A (p.Val174Met)

Genes: DNM1 (dynamin 1; plus strand), LOC113839516 (Sharpr-MPRA regulatory region 8497; plus strand). Cytogenetic location: 9q34.11.
Variant type: single nucleotide variant.
Coding change: c.520G>A on transcript NM_004408.4 (MANE Select); coding-DNA position 520, G replaced by A.
Protein change: p.Val174Met; replaces valine 174 with methionine.
Molecular consequence: missense variant.
Genome position (GRCh38, 1-based): chr9:128,219,183, G>A. VCF-style: chr9-128219183-G-A. GRCh37 (hg19) VCF-style: chr9-130981462-G-A.
Other names: c.520G>A, p.Val174Met (NM_001005336.3, NM_001288737.2, NM_001288738.2 and 2 more transcripts); short protein forms V174M.
Identifiers: ClinVar variation 4685075 (VCV004685075.1).